The following is an entry in ClinVar:

ClinVar aggregate classification (germline): Benign/Likely benign. Review status: criteria provided, multiple submitters, no conflicts (2 of 4 stars). 3 submissions from 3 submitters: Benign (1); Likely benign (2). Last evaluated 2025-12-25.

Conditions:
Inborn genetic diseases. Identifiers: MedGen C0950123, MeSH D030342.

Allele frequency attached by ClinVar (database versions not stated): ExAC 0.00003.
gnomAD v4.1: 80 of 1,614,192 alleles (0.005%); highest among the groups gnomAD compares: Admixed American, 0.018%; no homozygotes.

Submissions (3):

Labcorp Genetics (formerly Invitae), Labcorp
Classification: Benign. Last evaluated: 2025-12-25. Review status: criteria provided, single submitter. Criteria: Invitae Variant Classification Sherloc (09022015). Collection method: clinical testing. Allele origin: germline.

CeGaT Center for Human Genetics Tuebingen
Classification: Likely benign. Last evaluated: 2025-12-01. Review status: criteria provided, single submitter. Criteria: CeGaT Center For Human Genetics Tuebingen Variant Classification Criteria Version 2. Collection method: clinical testing. Allele origin: germline. Affected: yes. Observed: 1 variant allele.
Comment: ASXL1: BP4

Ambry Genetics
Classification: Likely benign for Inborn genetic diseases. Last evaluated: 2021-05-19. Review status: criteria provided, single submitter. Criteria: Ambry Variant Classification Scheme 2023. Collection method: clinical testing. Allele origin: germline.

NM_015338.6(ASXL1):c.3443G>A (p.Arg1148His)

Gene: ASXL1 (ASXL transcriptional regulator 1; plus strand). Cytogenetic location: 20q11.21.
Variant type: single nucleotide variant.
Coding change: c.3443G>A on transcript NM_015338.6 (MANE Select); coding-DNA position 3443, G replaced by A.
Protein change: p.Arg1148His; replaces arginine 1148 with histidine.
Molecular consequence: missense variant.
Genome position (GRCh38, 1-based): chr20:32,436,155, G>A. VCF-style: chr20-32436155-G-A. GRCh37 (hg19) VCF-style: chr20-31023958-G-A.
Other names: c.3443G>A (NM_015338.5); c.3260G>A, p.Arg1087His (NM_001363734.1); short protein forms R1087H, R1148H.
Identifiers: ClinVar variation 1540797 (VCV001540797.14), dbSNP rs555465153, ClinGen allele CA9808825.